The following is an entry in ClinVar:

ClinVar aggregate classification (germline): Conflicting classifications of pathogenicity. Review status: criteria provided, conflicting classifications (1 of 4 stars). 2 submissions from 2 submitters: Likely pathogenic (1); Uncertain significance (1). Last evaluated 2025-05-12.

Conditions:
Optic atrophy 9 (OPA9). Identifiers: MedGen C4225384, MONDO:0014571, OMIM 616289.

gnomAD v4.1: 1 of 1,612,480 alleles (0.000062%); highest among the groups gnomAD compares: Non-Finnish European, 0.000085%; no homozygotes.

Submissions (2):

Provincial Medical Genetics Program of British Columbia, University of British Columbia
Classification: Likely pathogenic for Optic atrophy 9. Last evaluated: 2025-05-12. Review status: criteria provided, single submitter. Criteria: ACMG Guidelines, 2015. Collection method: clinical testing. Allele origin: paternal. Inheritance: Autosomal dominant inheritance. Affected: yes.
Comment: This missense substitution (p.W222R) is predicted to introduce a hydrophilic/ charged residue into a buried domain of the protein. The variant is rare in gnomAD (allele frequency 1/1,460,306 [v4.1]). Multiple in silico tools predict this variant to be deleterious. In summary, the p.W222R variant meets our criteria as likely pathogenic based on segregation studies, population data and residue properties/ in silico predictions.

Blueprint Genetics
Classification: Uncertain significance. Last evaluated: 2020-10-22. Review status: criteria provided, single submitter. Criteria: ACMG Guidelines, 2015. Collection method: clinical testing. Allele origin: germline.

NM_001098.3(ACO2):c.664T>C (p.Trp222Arg)

Gene: ACO2 (aconitase 2; plus strand). Cytogenetic location: 22q13.2.
Variant type: single nucleotide variant.
Coding change: c.664T>C on transcript NM_001098.3 (MANE Select); coding-DNA position 664, T replaced by C.
Protein change: p.Trp222Arg; replaces tryptophan 222 with arginine.
Molecular consequence: missense variant.
Genome position (GRCh38, 1-based): chr22:41,515,515, T>C. VCF-style: chr22-41515515-T-C. GRCh37 (hg19) VCF-style: chr22-41911519-T-C.
Other names: short protein forms W222R.
Identifiers: ClinVar variation 3897935 (VCV003897935.2).